The following is an entry in ClinVar:

NM_000531.6(OTC):c.387-2A>C

Gene: OTC (ornithine transcarbamylase; plus strand). Cytogenetic location: Xp11.4.
Variant type: single nucleotide variant.
Coding change: c.387-2A>C on transcript NM_000531.6 (MANE Select); the canonical splice acceptor site of the intron before coding-DNA position 387, A replaced by C.
Molecular consequence: splice acceptor variant.
Genome position (GRCh38, 1-based): chrX:38,401,273, A>C. VCF-style: chrX-38401273-A-C. GRCh37 (hg19) VCF-style: chrX-38260526-A-C.
Other names: c.387-2A>C (NM_001407092.1).
Identifiers: ClinVar variation 97183 (VCV000097183.2), dbSNP rs66556380, ClinGen allele CA224573.

ClinVar aggregate classification (germline): Pathogenic (0 of 4 stars; one submission).

Submission:

GenMed Metabolism Lab
Classification: Pathogenic. Review status: no assertion criteria provided. Collection method: not provided. Allele origin: unknown.
Comment: Neonatal, Acceptor splice site error
ClinVar note: Converted during submission from pathogenic to Pathogenic.